The following is an entry in ClinVar:

NM_001009944.3(PKD1):c.9196T>C (p.Phe3066Leu)

Gene: PKD1 (polycystin 1, transient receptor potential channel interacting; minus strand). Cytogenetic location: 16p13.3.
Variant type: single nucleotide variant.
Coding change: c.9196T>C on transcript NM_001009944.3 (MANE Select); coding-DNA position 9196, T replaced by C.
Protein change: p.Phe3066Leu; replaces phenylalanine 3066 with leucine.
Molecular consequence: missense variant.
Genome position (GRCh38, 1-based): chr16:2,102,386, A>G on the plus strand (T>C on the coding strand, the complement: PKD1 is on the minus strand). VCF-style: chr16-2102386-A-G. GRCh37 (hg19) VCF-style: chr16-2152387-A-G.
Other names: c.9196T>C, p.Phe3066Leu (NM_000296.4); short protein forms F3066L.
Identifiers: ClinVar variation 257040 (VCV000257040.19), dbSNP rs9925969, ClinGen allele CA7830167.

ClinVar aggregate classification (germline): Benign/Likely benign. Review status: criteria provided, multiple submitters, no conflicts (2 of 4 stars). 8 submissions from 8 submitters: Benign (7); Likely benign (1). Last evaluated 2025-06-04.

Conditions:
Autosomal dominant polycystic kidney disease. Identifiers: Orphanet 730, MedGen C0085413, MONDO:0004691.
Polycystic kidney disease, adult type (PKD1). Also called: Polycystic Kidney, Autosomal Dominant; Polycystic Kidney Disease 1, Autosomal Dominant; Polycystic kidney disease 1; Polycystic kidney disease 1, severe; POLYCYSTIC KIDNEY DISEASE 1 WITH OR WITHOUT POLYCYSTIC LIVER DISEASE; POLYCYSTIC KIDNEY DISEASE, ADULT, TYPE I. Identifiers: MedGen C3149841, MONDO:0008263, OMIM 173900.

Allele frequency attached by ClinVar (database versions not stated): gnomAD exomes 0.15627 and 0.16314; ESP Exome Variant Server 0.16129; ExAC 0.20503; 1000 Genomes Project 0.21685; 1000 Genomes Project 30x 0.22267; gnomAD 0.23746; TOPMed 0.25934.
gnomAD v4.1: 267,178 of 1,555,320 alleles (17%); highest among the groups gnomAD compares: African/African-American, 49%; 27,908 homozygotes.

Submissions (8):

Women's Health and Genetics/Laboratory Corporation of America, LabCorp
Classification: Likely benign. Last evaluated: 2025-06-04. Review status: criteria provided, single submitter. Criteria: LabCorp Variant Classification Summary - May 2015. Collection method: clinical testing. Allele origin: germline.

Blueprint Genetics
Classification: Benign. Last evaluated: 2024-11-27. Review status: criteria provided, single submitter. Criteria: ACMG Guidelines, 2015. Collection method: clinical testing. Allele origin: germline.

Mayo Clinic Laboratories, Mayo Clinic
Classification: Benign. Last evaluated: 2022-04-26. Review status: criteria provided, single submitter. Criteria: ACMG Guidelines, 2015. Collection method: clinical testing. Allele origin: germline. Observed: 283 variant alleles.

ARUP Laboratories, Molecular Genetics and Genomics, ARUP Laboratories
Classification: Benign for Polycystic kidney disease, adult type. Last evaluated: 2020-05-08. Review status: criteria provided, single submitter. Criteria: ARUP Molecular Germline Variant Investigation Process. Collection method: clinical testing. Allele origin: germline.

GeneDx
Classification: Benign. Last evaluated: 2019-09-25. Review status: criteria provided, single submitter. Criteria: GeneDx Variant Classification Process June 2021. Collection method: clinical testing. Allele origin: germline. Affected: yes.
Comment: This variant is associated with the following publications: (PMID: 10854095)

Molecular Genetics of Inherited Kidney Disorders Laboratory, Garvan Institute of Medical Research
Classification: Benign for Autosomal dominant polycystic kidney disease. Last evaluated: 2019-01-01. Review status: criteria provided, single submitter. Criteria: ACMG Guidelines, 2015. Collection method: research. Allele origin: germline. Affected: yes.

Breakthrough Genomics
Classification: Benign. Review status: criteria provided, single submitter. Criteria: ACMG Guidelines, 2015. Collection method: not provided. Allele origin: germline. Inheritance: Autosomal dominant inheritance. Affected: yes.

PreventionGenetics, part of Exact Sciences
Classification: Benign. Review status: criteria provided, single submitter. Criteria: ACMG Guidelines, 2015. Collection method: clinical testing. Allele origin: germline.